The following is an entry in ClinVar:

ClinVar aggregate classification (germline): Uncertain significance (1 of 4 stars; one submission).

Conditions:
Inborn genetic diseases. Identifiers: MedGen C0950123, MeSH D030342.

Submission:

Ambry Genetics
Classification: Uncertain significance for Inborn genetic diseases. Last evaluated: 2021-08-03. Review status: criteria provided, single submitter. Criteria: Ambry Variant Classification Scheme 2023. Collection method: clinical testing. Allele origin: germline.
Comment: The p.I348T variant (also known as c.1043T>C), located in coding exon 4 of the PIK3CA gene, results from a T to C substitution at nucleotide position 1043. The isoleucine at codon 348 is replaced by threonine, an amino acid with similar properties. This amino acid position is conserved. In addition, this alteration is predicted to be deleterious by in silico analysis. Since supporting evidence is limited at this time, the clinical significance of this alteration remains unclear.

NM_006218.4(PIK3CA):c.1043T>C (p.Ile348Thr)

Gene: PIK3CA (phosphatidylinositol-4,5-bisphosphate 3-kinase catalytic subunit alpha; plus strand). Cytogenetic location: 3q26.32.
Variant type: single nucleotide variant.
Coding change: c.1043T>C on transcript NM_006218.4 (MANE Select); coding-DNA position 1043, T replaced by C.
Protein change: p.Ile348Thr; replaces isoleucine 348 with threonine.
Molecular consequence: missense variant.
Genome position (GRCh38, 1-based): chr3:179,203,773, T>C. VCF-style: chr3-179203773-T-C. GRCh37 (hg19) VCF-style: chr3-178921561-T-C.
Other names: short protein forms I348T.
Identifiers: ClinVar variation 1774804 (VCV001774804.2), dbSNP rs2108393310, ClinGen allele CA355281541.